The following is an entry in ClinVar:

ClinVar aggregate classification (germline): Conflicting classifications of pathogenicity. Review status: criteria provided, conflicting classifications (1 of 4 stars). 2 submissions from 2 submitters: Uncertain significance (1); Likely benign (1). Last evaluated 2026-05-15.

Conditions:
BMP7-related disorder. Also called: BMP7-related condition.

gnomAD v4.1: 320 of 1,613,950 alleles (0.02%); highest among the groups gnomAD compares: South Asian, 0.055%; no homozygotes.

Submissions (2):

PreventionGenetics, part of Exact Sciences
Classification: Likely benign for BMP7-related condition. Last evaluated: 2026-05-15. Review status: criteria provided, single submitter. Criteria: ACMG Guidelines, 2015. Collection method: clinical testing. Allele origin: germline.
Comment: This variant is classified as likely benign based on ACMG/AMP sequence variant interpretation guidelines (Richards et al. 2015 PMID: 25741868, with internal and published modifications).

Labcorp Genetics (formerly Invitae), Labcorp
Classification: Uncertain significance. Last evaluated: 2025-08-13. Review status: criteria provided, single submitter. Criteria: Invitae Variant Classification Sherloc (09022015). Collection method: clinical testing. Allele origin: germline.
Comment: This sequence change replaces valine, which is neutral and non-polar, with isoleucine, which is neutral and non-polar, at codon 194 of the BMP7 protein (p.Val194Ile). This variant is present in population databases (rs199551942, gnomAD 0.05%). This variant has not been reported in the literature in individuals affected with BMP7-related conditions. An algorithm developed to predict the effect of missense changes on protein structure and function (PolyPhen-2) suggests that this variant is likely to be tolerated. In summary, the available evidence is currently insufficient to determine the role of this variant in disease. Therefore, it has been classified as a Variant of Uncertain Significance.

NM_001719.3(BMP7):c.580G>A (p.Val194Ile)

Gene: BMP7 (bone morphogenetic protein 7; minus strand). Cytogenetic location: 20q13.31.
Variant type: single nucleotide variant.
Coding change: c.580G>A on transcript NM_001719.3 (MANE Select); coding-DNA position 580, G replaced by A.
Protein change: p.Val194Ile; replaces valine 194 with isoleucine.
Molecular consequence: missense variant.
Genome position (GRCh38, 1-based): chr20:57,228,260, C>T on the plus strand (G>A on the coding strand, the complement: BMP7 is on the minus strand). VCF-style: chr20-57228260-C-T. GRCh37 (hg19) VCF-style: chr20-55803316-C-T.
Other names: c.580G>A (NM_001719.2); short protein forms V194I.
Identifiers: ClinVar variation 4801357 (VCV004801357.2).